The following is an entry in ClinVar:

ClinVar aggregate classification (germline): Uncertain significance (1 of 4 stars; one submission).

Allele frequency attached by ClinVar (database versions not stated): ExAC 0.00002; gnomAD exomes 0.00003 and 0.00005; TOPMed 0.00003.
gnomAD v4.1: 17 of 1,613,798 alleles (0.0011%); highest among the groups gnomAD compares: Admixed American, 0.028%; no homozygotes.

Submission:

Labcorp Genetics (formerly Invitae), Labcorp
Classification: Uncertain significance. Last evaluated: 2025-04-13. Review status: criteria provided, single submitter. Criteria: Invitae Variant Classification Sherloc (09022015). Collection method: clinical testing. Allele origin: germline.
Comment: This sequence change replaces glutamic acid, which is acidic and polar, with glutamine, which is neutral and polar, at codon 200 of the C1QTNF5 protein (p.Glu200Gln). This variant is present in population databases (rs763473287, gnomAD 0.04%), and has an allele count higher than expected for a pathogenic variant. This variant has not been reported in the literature in individuals affected with C1QTNF5-related conditions. ClinVar contains an entry for this variant (Variation ID: 1054436). An algorithm developed to predict the effect of missense changes on protein structure and function (PolyPhen-2) suggests that this variant is likely to be disruptive. In summary, the available evidence is currently insufficient to determine the role of this variant in disease. Therefore, it has been classified as a Variant of Uncertain Significance.

NM_001278431.2(C1QTNF5):c.598G>C (p.Glu200Gln)

Genes: C1QTNF5 (C1q and TNF related 5; minus strand), MFRP (membrane frizzled-related protein; minus strand). Cytogenetic location: 11q23.3.
Variant type: single nucleotide variant.
Coding change: c.598G>C on transcript NM_001278431.2 (MANE Select); coding-DNA position 598, G replaced by C.
Protein change: p.Glu200Gln; replaces glutamic acid 200 with glutamine.
Molecular consequence: missense variant. On other transcripts: 3 prime UTR variant (1).
Genome position (GRCh38, 1-based): chr11:119,339,465, C>G on the plus strand (G>C on the coding strand, the complement: C1QTNF5 is on the minus strand). VCF-style: chr11-119339465-C-G. GRCh37 (hg19) VCF-style: chr11-119210175-C-G.
Other names: c.598G>C, p.Glu200Gln (NM_015645.5); c.*1494G>C (NM_031433.4); short protein forms E200Q.
Identifiers: ClinVar variation 1054436 (VCV001054436.9), dbSNP rs763473287, ClinGen allele CA6319912.